The following is an entry in ClinVar:

ClinVar aggregate classification (germline): Uncertain significance (1 of 4 stars; one submission).

Conditions:
Mosaic variegated aneuploidy syndrome 2 (MVA2). Identifiers: Orphanet 1052, MedGen C3279843, MONDO:0013582, OMIM 614114.

Submission:

Labcorp Genetics (formerly Invitae), Labcorp
Classification: Uncertain significance for Mosaic variegated aneuploidy syndrome 2. Last evaluated: 2023-03-03. Review status: criteria provided, single submitter. Criteria: Invitae Variant Classification Sherloc (09022015). Collection method: clinical testing. Allele origin: germline.
Comment: This sequence change replaces arginine, which is basic and polar, with leucine, which is neutral and non-polar, at codon 51 of the CEP57 protein (p.Arg51Leu). This variant is not present in population databases (gnomAD no frequency). This variant has not been reported in the literature in individuals affected with CEP57-related conditions. Advanced modeling of protein sequence and biophysical properties (such as structural, functional, and spatial information, amino acid conservation, physicochemical variation, residue mobility, and thermodynamic stability) performed at Invitae indicates that this missense variant is not expected to disrupt CEP57 protein function. In summary, the available evidence is currently insufficient to determine the role of this variant in disease. Therefore, it has been classified as a Variant of Uncertain Significance.

NM_014679.5(CEP57):c.152G>T (p.Arg51Leu)

Gene: CEP57 (centrosomal protein 57; plus strand). Cytogenetic location: 11q21.
Variant type: single nucleotide variant.
Coding change: c.152G>T on transcript NM_014679.5 (MANE Select); coding-DNA position 152, G replaced by T.
Protein change: p.Arg51Leu; replaces arginine 51 with leucine.
Molecular consequence: missense variant.
Genome position (GRCh38, 1-based): chr11:95,799,338, G>T. VCF-style: chr11-95799338-G-T. GRCh37 (hg19) VCF-style: chr11-95532502-G-T.
Other names: c.125G>T, p.Arg42Leu (NM_001243776.2); c.152G>T, p.Arg51Leu (NM_001243777.2); c.71G>T, p.Arg24Leu (NM_001363604.2); short protein forms R24L, R51L, R42L.
Identifiers: ClinVar variation 2891518 (VCV002891518.3), dbSNP rs549840259, ClinGen allele CA382415852.
Genomic context (GRCh38, chr11:95,799,338, plus strand): 5'-ATTCTTCATCTCCATATGTAGTATATCCTTCGGATAAGCCTTTCCTTAATAGTGATCTAC[G>T]ACGCTCCCCAAGTAAGCCTACACTTGCCTATCCAGAAAGCAACAGCAGAGGTAATCGAGC-3'
Protein context (NP_055494.2, residues 41-61): SDKPFLNSDL[Arg51Leu]RSPSKPTLAY